The following is an entry in ClinVar:

ClinVar aggregate classification (germline): Uncertain significance (1 of 4 stars; one submission).

gnomAD v4.1: 2 of 1,612,948 alleles (0.00012%); highest among the groups gnomAD compares: Non-Finnish European, 0.00017%; no homozygotes.

Submission:

Mayo Clinic Laboratories, Mayo Clinic
Classification: Uncertain significance. Last evaluated: 2024-08-19. Review status: criteria provided, single submitter. Criteria: ACMG Guidelines, 2015. Collection method: clinical testing. Allele origin: germline. Observed: 1 variant allele.
Comment: BP4, PM2

NM_000081.4(LYST):c.7090A>G (p.Lys2364Glu)

Gene: LYST (lysosomal trafficking regulator; minus strand). Cytogenetic location: 1q42.3.
Variant type: single nucleotide variant.
Coding change: c.7090A>G on transcript NM_000081.4 (MANE Select); coding-DNA position 7090, A replaced by G.
Protein change: p.Lys2364Glu; replaces lysine 2364 with glutamic acid.
Molecular consequence: missense variant.
Genome position (GRCh38, 1-based): chr1:235,755,617, T>C on the plus strand (A>G on the coding strand, the complement: LYST is on the minus strand). VCF-style: chr1-235755617-T-C. GRCh37 (hg19) VCF-style: chr1-235918917-T-C.
Other names: p.Lys2364Glu; c.7090A>G, p.Lys2364Glu (NM_001301365.1); short protein forms K2364E.
Identifiers: ClinVar variation 3380774 (VCV003380774.1).